The following is an entry in ClinVar:

ClinVar aggregate classification (germline): Uncertain significance (1 of 4 stars; one submission).

Conditions:
Familial hypocalciuric hypercalcemia (FHH). Also called: Familial benign hypercalcemia. Identifiers: Orphanet 405, MedGen C1809471, MONDO:0018458.
Autosomal dominant hypocalcemia 1 (HYPOC1). Also called: HYPOCALCEMIA, FAMILIAL. Identifiers: MedGen C3715128, MONDO:0011013, OMIM 601198.

Submission:

Labcorp Genetics (formerly Invitae), Labcorp
Classification: Uncertain significance for Familial hypocalciuric hypercalcemia; Autosomal dominant hypocalcemia 1. Last evaluated: 2023-07-21. Review status: criteria provided, single submitter. Criteria: Invitae Variant Classification Sherloc (09022015). Collection method: clinical testing. Allele origin: germline.
Comment: In summary, the available evidence is currently insufficient to determine the role of this variant in disease. Therefore, it has been classified as a Variant of Uncertain Significance. An algorithm developed to predict the effect of missense changes on protein structure and function (PolyPhen-2) suggests that this variant is likely to be tolerated. ClinVar contains an entry for this variant (Variation ID: 660807). This variant has not been reported in the literature in individuals affected with CASR-related conditions. This variant is not present in population databases (gnomAD no frequency). This sequence change replaces alanine, which is neutral and non-polar, with valine, which is neutral and non-polar, at codon 348 of the CASR protein (p.Ala348Val).

NM_000388.4(CASR):c.1043C>T (p.Ala348Val)

Gene: CASR (calcium sensing receptor; plus strand). Cytogenetic location: 3q21.1.
Variant type: single nucleotide variant.
Coding change: c.1043C>T on transcript NM_000388.4 (MANE Select); coding-DNA position 1043, C replaced by T.
Protein change: p.Ala348Val; replaces alanine 348 with valine.
Molecular consequence: missense variant.
Genome position (GRCh38, 1-based): chr3:122,262,078, C>T. VCF-style: chr3-122262078-C-T. GRCh37 (hg19) VCF-style: chr3-121980925-C-T.
Other names: c.1043C>T, p.Ala348Val (NM_001178065.2); short protein forms A348V.
Identifiers: ClinVar variation 660807 (VCV000660807.9), dbSNP rs1576858988, ClinGen allele CA354152335.